The following is an entry in ClinVar:

ClinVar aggregate classification (germline): Likely benign. Review status: criteria provided, single submitter (1 of 4 stars). 2 submissions from 2 submitters: Likely benign (1). 1 of the submissions does not count toward it. Last evaluated 2025-09-22.

Conditions:
P3H1-related disorder. Also called: P3H1-related condition.
Osteogenesis imperfecta type 8 (OI8). Identifiers: MedGen C1970458, MONDO:0012581, OMIM 610915.

Allele frequency attached by ClinVar (database versions not stated): TOPMed 0.00002.
gnomAD v4.1: 84 of 1,614,044 alleles (0.0052%); highest among the groups gnomAD compares: Non-Finnish European, 0.007%; no homozygotes.

Submissions (2):

Labcorp Genetics (formerly Invitae), Labcorp
Classification: Likely benign for Osteogenesis imperfecta type 8. Last evaluated: 2025-09-22. Review status: criteria provided, single submitter. Criteria: Invitae Variant Classification Sherloc (09022015). Collection method: clinical testing. Allele origin: germline.

PreventionGenetics, part of Exact Sciences
Classification: Likely benign for P3H1-related condition. Last evaluated: 2019-05-02. Review status: no assertion criteria provided. Collection method: clinical testing. Allele origin: germline. Not counted in ClinVar's aggregate classification.
Comment: This variant is classified as likely benign based on ACMG/AMP sequence variant interpretation guidelines (Richards et al. 2015 PMID: 25741868, with internal and published modifications).

NM_022356.4(P3H1):c.1224-8G>C

Gene: P3H1 (prolyl 3-hydroxylase 1; minus strand). Cytogenetic location: 1p34.2.
Variant type: single nucleotide variant.
Coding change: c.1224-8G>C on transcript NM_022356.4 (MANE Select); 8 bases into the intron before coding-DNA position 1224, G replaced by C.
Molecular consequence: intron variant.
Genome position (GRCh38, 1-based): chr1:42,754,998, C>G on the plus strand (G>C on the coding strand, the complement: P3H1 is on the minus strand). VCF-style: chr1-42754998-C-G. GRCh37 (hg19) VCF-style: chr1-43220669-C-G.
Other names: c.1224-8G>C (NM_001146289.2, NM_001243246.2, NM_022356.3).
Identifiers: ClinVar variation 1612498 (VCV001612498.10), dbSNP rs749297067, ClinGen allele CA21243770.